The following is an entry in ClinVar:

ClinVar aggregate classification (germline): Pathogenic (1 of 4 stars; one submission).

Conditions:
Primary ciliary dyskinesia. Also called: Ciliary dyskinesia. Identifiers: Orphanet 244, MedGen C0008780, MONDO:0016575, HP:0012265.

Allele frequency attached by ClinVar (database versions not stated): gnomAD 0.00001.
gnomAD v4.1: 4 of 1,582,244 alleles (0.00025%); highest among the groups gnomAD compares: African/African-American, 0.0054%; no homozygotes.

Submission:

Labcorp Genetics (formerly Invitae), Labcorp
Classification: Pathogenic for Primary ciliary dyskinesia. Last evaluated: 2022-12-29. Review status: criteria provided, single submitter. Criteria: Invitae Variant Classification Sherloc (09022015). Collection method: clinical testing. Allele origin: germline.
Comment: This variant is not present in population databases (gnomAD no frequency). For these reasons, this variant has been classified as Pathogenic. This variant has not been reported in the literature in individuals affected with DNAH11-related conditions. This sequence change creates a premature translational stop signal (p.Gln3089*) in the DNAH11 gene. It is expected to result in an absent or disrupted protein product. Loss-of-function variants in DNAH11 are known to be pathogenic (PMID: 18022865, 20513915, 22184204).

Literature cited by the submitters: PubMed 18022865; PubMed 20513915; PubMed 22184204.

NM_001277115.2(DNAH11):c.9265C>T (p.Gln3089Ter)

Gene: DNAH11 (dynein axonemal heavy chain 11; plus strand). Cytogenetic location: 7p15.3.
Variant type: single nucleotide variant.
Coding change: c.9265C>T on transcript NM_001277115.2 (MANE Select); coding-DNA position 9265, C replaced by T.
Protein change: p.Gln3089Ter; replaces glutamine 3089 with a stop codon.
Molecular consequence: nonsense.
Genome position (GRCh38, 1-based): chr7:21,773,928, C>T. VCF-style: chr7-21773928-C-T. GRCh37 (hg19) VCF-style: chr7-21813546-C-T.
Other names: c.9286C>T, p.Gln3096Ter (NM_003777.3); short protein forms Q3089*, Q3096*.
Identifiers: ClinVar variation 2893718 (VCV002893718.3), dbSNP rs1277063931, ClinGen allele CA366936694.